The following is an entry in ClinVar:

NM_003737.4(DCHS1):c.8312T>C (p.Val2771Ala)

Gene: DCHS1 (dachsous cadherin-related 1; minus strand). Cytogenetic location: 11p15.4.
Variant type: single nucleotide variant.
Coding change: c.8312T>C on transcript NM_003737.4 (MANE Select); coding-DNA position 8312, T replaced by C.
Protein change: p.Val2771Ala; replaces valine 2771 with alanine.
Molecular consequence: missense variant.
Genome position (GRCh38, 1-based): chr11:6,623,364, A>G on the plus strand (T>C on the coding strand, the complement: DCHS1 is on the minus strand). VCF-style: chr11-6623364-A-G. GRCh37 (hg19) VCF-style: chr11-6644595-A-G.
Other names: c.8312T>C (NM_003737.2); short protein forms V2771A.
Identifiers: ClinVar variation 2175350 (VCV002175350.7), dbSNP rs771824096, ClinGen allele CA5859447.

ClinVar aggregate classification (germline): Uncertain significance. Review status: criteria provided, multiple submitters, no conflicts (2 of 4 stars). 3 submissions from 3 submitters: Uncertain significance (3). Last evaluated 2025-12-24.

Conditions:
Inborn genetic diseases. Identifiers: MedGen C0950123, MeSH D030342.
Van Maldergem syndrome 1 (VMLDS1). Also called: Van Maldergem syndrome 1 (VMLDS1). Identifiers: Orphanet 314679, MedGen C4551950, MONDO:0011070, OMIM 601390.

Allele frequency attached by ClinVar (database versions not stated): ExAC 0.00002; gnomAD exomes 0.00002; gnomAD 0.00003; TOPMed 0.00007.
gnomAD v4.1: 48 of 1,597,446 alleles (0.003%); highest among the groups gnomAD compares: Admixed American, 0.019%; no homozygotes.

Submissions (3):

Labcorp Genetics (formerly Invitae), Labcorp
Classification: Uncertain significance. Last evaluated: 2025-12-24. Review status: criteria provided, single submitter. Criteria: Invitae Variant Classification Sherloc (09022015). Collection method: clinical testing. Allele origin: germline.
Comment: This sequence change replaces valine, which is neutral and non-polar, with alanine, which is neutral and non-polar, at codon 2771 of the DCHS1 protein (p.Val2771Ala). This variant is present in population databases (rs771824096, gnomAD 0.02%). This variant has not been reported in the literature in individuals affected with DCHS1-related conditions. ClinVar contains an entry for this variant (Variation ID: 2175350). Invitae Evidence Modeling of protein sequence and biophysical properties (such as structural, functional, and spatial information, amino acid conservation, physicochemical variation, residue mobility, and thermodynamic stability) indicates that this missense variant is not expected to disrupt DCHS1 protein function with a negative predictive value of 80%. In summary, the available evidence is currently insufficient to determine the role of this variant in disease. Therefore, it has been classified as a Variant of Uncertain Significance.

Clinical Genomics Laboratory, Washington University in St. Louis
Classification: Uncertain significance for Van Maldergem syndrome 1. Last evaluated: 2024-10-31. Review status: criteria provided, single submitter. Criteria: ACMG Guidelines, 2015. Collection method: clinical testing. Allele origin: germline.
Comment: A DCHS1 c.8312T>C (p.Val2771Ala) variant was identified at a near heterozygous allelic fraction of 49.1%, a frequency which may be consistent with germline origin. This variant, to our knowledge, has not been reported in the medical literature but has been reported in the ClinVar database as a germline variant of uncertain significance by two submitters (ClinVar variation ID: 2175350). It is observed on 48/1,597,446 alleles in the general population (gnomAD v.4.1.0). Computational predictors suggest that the variant does not impact DCHS1 function. Due to limited information, and based on ACMG/AMP guidelines for variant interpretation (Richards S et al., PMID: 25741868), the clinical significance of this variant is uncertain at this time.

Ambry Genetics
Classification: Uncertain significance for Inborn genetic diseases. Last evaluated: 2024-10-23. Review status: criteria provided, single submitter. Criteria: Ambry Variant Classification Scheme 2023. Collection method: clinical testing. Allele origin: germline.